The following is an entry in ClinVar:

ClinVar aggregate classification (germline): Uncertain significance. Review status: criteria provided, multiple submitters, no conflicts (2 of 4 stars). 2 submissions from 2 submitters: Uncertain significance (2). Last evaluated 2023-06-14.

Allele frequency attached by ClinVar (database versions not stated): gnomAD 0.00003; TOPMed 0.00004; ExAC 0.00005; ESP Exome Variant Server 0.00015.
gnomAD v4.1: 43 of 1,606,492 alleles (0.0027%); highest among the groups gnomAD compares: Non-Finnish European, 0.0034%; no homozygotes.

Submissions (2):

Blueprint Genetics
Classification: Uncertain significance. Last evaluated: 2023-06-14. Review status: criteria provided, single submitter. Criteria: ACMG Guidelines, 2015. Collection method: clinical testing. Allele origin: germline.

Labcorp Genetics (formerly Invitae), Labcorp
Classification: Uncertain significance. Last evaluated: 2022-03-14. Review status: criteria provided, single submitter. Criteria: Invitae Variant Classification Sherloc (09022015). Collection method: clinical testing. Allele origin: germline.
Comment: This sequence change falls in intron 4 of the AGBL5 gene. It does not directly change the encoded amino acid sequence of the AGBL5 protein. It affects a nucleotide within the consensus splice site. This variant is present in population databases (rs377519364, gnomAD 0.007%). This variant has not been reported in the literature in individuals affected with AGBL5-related conditions. Variants that disrupt the consensus splice site are a relatively common cause of aberrant splicing (PMID: 17576681, 9536098). Algorithms developed to predict the effect of sequence changes on RNA splicing suggest that this variant is not likely to affect RNA splicing. In summary, the available evidence is currently insufficient to determine the role of this variant in disease. Therefore, it has been classified as a Variant of Uncertain Significance.

Literature cited by the submitters: PubMed 17576681 (cited by Labcorp Genetics (formerly Invitae), Labcorp); PubMed 9536098 (cited by Labcorp Genetics (formerly Invitae), Labcorp).

NM_021831.6(AGBL5):c.551+5C>A

Gene: AGBL5 (AGBL carboxypeptidase 5; plus strand). Cytogenetic location: 2p23.3.
Variant type: single nucleotide variant.
Coding change: c.551+5C>A on transcript NM_021831.6 (MANE Select); 5 bases into the intron after coding-DNA position 551, C replaced by A.
Molecular consequence: intron variant.
Genome position (GRCh38, 1-based): chr2:27,054,064, C>A. VCF-style: chr2-27054064-C-A. GRCh37 (hg19) VCF-style: chr2-27276932-C-A.
Other names: c.551+5C>A (NM_001035507.3).
Identifiers: ClinVar variation 1901163 (VCV001901163.3), dbSNP rs377519364, ClinGen allele CA1567657.